The following is an entry in ClinVar:

NM_001171.6(ABCC6):c.2738C>T (p.Pro913Leu)

Gene: ABCC6 (ATP binding cassette subfamily C member 6; minus strand). Cytogenetic location: 16p13.11.
Variant type: single nucleotide variant.
Coding change: c.2738C>T on transcript NM_001171.6 (MANE Select); coding-DNA position 2738, C replaced by T.
Protein change: p.Pro913Leu; replaces proline 913 with leucine.
Molecular consequence: missense variant. On other transcripts: non-coding transcript variant (1).
Genome position (GRCh38, 1-based): chr16:16,173,333, G>A on the plus strand (C>T on the coding strand, the complement: ABCC6 is on the minus strand). VCF-style: chr16-16173333-G-A. GRCh37 (hg19) VCF-style: chr16-16267190-G-A.
Other names: c.2396C>T, p.Pro799Leu (NM_001351800.1); short protein forms P913L, P799L.
Identifiers: ClinVar variation 1345891 (VCV001345891.6), dbSNP rs765456179, ClinGen allele CA394885924.

ClinVar aggregate classification (germline): Uncertain significance (1 of 4 stars; one submission).

Submission:

Labcorp Genetics (formerly Invitae), Labcorp
Classification: Uncertain significance. Last evaluated: 2022-07-12. Review status: criteria provided, single submitter. Criteria: Invitae Variant Classification Sherloc (09022015). Collection method: clinical testing. Allele origin: germline.
Comment: In summary, the available evidence is currently insufficient to determine the role of this variant in disease. Therefore, it has been classified as a Variant of Uncertain Significance. Advanced modeling of protein sequence and biophysical properties (such as structural, functional, and spatial information, amino acid conservation, physicochemical variation, residue mobility, and thermodynamic stability) performed at Invitae indicates that this missense variant is not expected to disrupt ABCC6 protein function. ClinVar contains an entry for this variant (Variation ID: 1345891). This variant has not been reported in the literature in individuals affected with ABCC6-related conditions. This variant is not present in population databases (gnomAD no frequency). This sequence change replaces proline, which is neutral and non-polar, with leucine, which is neutral and non-polar, at codon 913 of the ABCC6 protein (p.Pro913Leu).